The following is an entry in ClinVar:

NM_000261.2(MYOC):c.767C>T (p.Thr256Met)

Gene: MYOC (myocilin; minus strand). Cytogenetic location: 1q24.3.
Variant type: single nucleotide variant.
Coding change: c.767C>T on transcript NM_000261.2 (MANE Select); coding-DNA position 767, C replaced by T.
Protein change: p.Thr256Met; replaces threonine 256 with methionine.
Molecular consequence: missense variant.
Genome position (GRCh38, 1-based): chr1:171,636,673, G>A on the plus strand (C>T on the coding strand, the complement: MYOC is on the minus strand). VCF-style: chr1-171636673-G-A. GRCh37 (hg19) VCF-style: chr1-171605813-G-A.
Other names: NM_000261.2:c.767C>T; short protein forms T256M.
Identifiers: ClinVar variation 1684936 (VCV001684936.3), dbSNP rs200072086, ClinGen allele CA1244159.

ClinVar aggregate classification (germline): Uncertain significance. Review status: reviewed by expert panel (3 of 4 stars). 2 submissions from 2 submitters: Uncertain significance (1). 1 of the submissions does not count toward it. Last evaluated 2025-12-03.

Conditions:
Open-angle glaucoma. Identifiers: MedGen C0017612, MONDO:0005338, HP:0012108.

Allele frequency attached by ClinVar (database versions not stated): gnomAD 0.00001 and 0.00003; 1000 Genomes Project 30x 0.00016; 1000 Genomes Project 0.00020.
gnomAD v4.1: 67 of 1,605,324 alleles (0.0042%); highest among the groups gnomAD compares: East Asian, 0.016%; no homozygotes.

Submissions (2):

ClinGen Glaucoma Variant Curation Expert Panel
Classification: Uncertain significance for Open-angle glaucoma. Last evaluated: 2025-12-03. Review status: reviewed by expert panel. Criteria: ClinGen Glaucoma ACMG Specifications V2.0.0 Approved. Collection method: curation. Allele origin: germline. Inheritance: Autosomal dominant inheritance.
Comment: The c.767C>T variant in MYOC is a missense variant predicted to cause substitution of Threonine by Methionine at amino acid 256 (p.Thr256Met). The highest minor allele frequency of this variant was in the East Asian genetic ancestry group of gnomAD (v4.1.0) = 0.0001559 (7 alleles out of 44,890), which did not meet the PM2_Supporting allele frequency threshold (≤ 0.0001) or the BS1 allele frequency threshold (≥ 0.001). The REVEL score = 0.664, which was within the 0.644-0.772 range for PP3, predicting a damaging effect on MYOC function. The Thr256Met protein had similar stability levels compared to wild type myocilin protein in this study (PMID: 36579626). The assay met the OddsPath threshold for BS3_Moderate (< 0.23), indicating that this variant did not impact protein function. Although probands with juvenile or primary open angle glaucoma have been reported carrying this variant, PM2_Supporting was not met, therefore PS4 did not apply. In summary, this variant met the criteria to receive a score of -1 and to be classified as a variant of uncertain significance (uncertain significance classification range -1 to 5, adapted from PMID: 32720330) for juvenile open angle glaucoma based on the ACMG/AMP criteria met, as specified by the ClinGen Glaucoma VCEP (v2.0.0, 5 Dec 2024): BS3_Moderate, PP3

Mendelics
Classification: Uncertain significance. Last evaluated: 2022-05-04. Review status: criteria provided, single submitter. Criteria: Mendelics Assertion Criteria 2019. Collection method: clinical testing. Allele origin: germline. Not counted in ClinVar's aggregate classification.

Literature cited by the submitters: PubMed 36579626 (cited by ClinGen Glaucoma Variant Curation Expert Panel).